The following is an entry in ClinVar:

ClinVar aggregate classification (germline): Uncertain significance. Review status: criteria provided, multiple submitters, no conflicts (2 of 4 stars). 5 submissions from 5 submitters: Uncertain significance (4). 1 of the submissions does not count toward it. Last evaluated 2025-03-31.

Conditions:
Autosomal dominant nonsyndromic hearing loss 65. Also called: Deafness, autosomal dominant 65; TBC1D24-Related Autosomal Dominant Nonsyndromic Hearing Loss (DFNA). Identifiers: Orphanet 90635, MedGen C3892048, MONDO:0014470, OMIM 616044.
Developmental and epileptic encephalopathy, 1 (DEE1). Also called: INFANTILE SPASM SYNDROME, X-LINKED 1; X-linked infantile spasms; West's syndrome; Tonic spasms with clustering, arrest of psychomotor development and hypsarrhythmia on EEG; X-Linked Infantile Spasm Syndrome; OHTAHARA SYNDROME, X-LINKED. Identifiers: MedGen C3463992, MONDO:0010632, OMIM 308350. Disease mechanism: loss of function.
TBC1D24-related disorder. Also called: TBC1D24-related disorders; TBC1D24-related condition. Identifiers: MedGen CN381194.
Familial infantile myoclonic epilepsy (FIME). Also called: TBC1D24-Related Familial Infantile Myoclonic Epilepsy (FIME); Epilepsy, Myoclonic, Infantile. Identifiers: Orphanet 352582, MedGen C0917800, MONDO:0011506, OMIM 605021.

Allele frequency attached by ClinVar (database versions not stated): gnomAD 0.00001; gnomAD exomes 0.00001 and 0.00002; TOPMed 0.00001; ExAC 0.00004.
gnomAD v4.1: 13 of 1,613,176 alleles (0.00081%); highest among the groups gnomAD compares: East Asian, 0.0022%; no homozygotes.

Submissions (5):

Labcorp Genetics (formerly Invitae), Labcorp
Classification: Uncertain significance for Developmental and epileptic encephalopathy, 1; Autosomal dominant nonsyndromic hearing loss 65. Last evaluated: 2025-03-31. Review status: criteria provided, single submitter. Criteria: Invitae Variant Classification Sherloc (09022015). Collection method: clinical testing. Allele origin: germline.
Comment: This sequence change replaces valine, which is neutral and non-polar, with methionine, which is neutral and non-polar, at codon 78 of the TBC1D24 protein (p.Val78Met). This variant is present in population databases (rs776539630, gnomAD 0.01%). This missense change has been observed in individual(s) with clinical features of TBC1D24-related conditions (PMID: 30180405). ClinVar contains an entry for this variant (Variation ID: 318613). Invitae Evidence Modeling of protein sequence and biophysical properties (such as structural, functional, and spatial information, amino acid conservation, physicochemical variation, residue mobility, and thermodynamic stability) indicates that this missense variant is not expected to disrupt TBC1D24 protein function with a negative predictive value of 95%. In summary, the available evidence is currently insufficient to determine the role of this variant in disease. Therefore, it has been classified as a Variant of Uncertain Significance.

GeneDx
Classification: Uncertain significance. Last evaluated: 2024-11-12. Review status: criteria provided, single submitter. Criteria: GeneDx Variant Classification Process June 2021. Collection method: clinical testing. Allele origin: germline. Affected: yes.
Comment: Not observed at significant frequency in large population cohorts (gnomAD); In silico analysis indicates that this missense variant does not alter protein structure/function; Has not been previously published as pathogenic or benign to our knowledge; This variant is associated with the following publications: (PMID: 30180405)

Blueprint Genetics
Classification: Uncertain significance. Last evaluated: 2024-09-17. Review status: criteria provided, single submitter. Criteria: ACMG Guidelines, 2015. Collection method: clinical testing. Allele origin: germline.

Illumina Laboratory Services, Illumina
Classification: Uncertain significance for Familial infantile myoclonic epilepsy. Last evaluated: 2018-01-13. Review status: criteria provided, single submitter. Criteria: ICSL Variant Classification Criteria 13 December 2019. Collection method: clinical testing. Allele origin: germline.

PreventionGenetics, part of Exact Sciences
Classification: Uncertain significance for TBC1D24-related condition. Last evaluated: 2024-06-10. Review status: no assertion criteria provided. Collection method: clinical testing. Allele origin: germline. Not counted in ClinVar's aggregate classification.
Comment: The TBC1D24 c.232G>A variant is predicted to result in the amino acid substitution p.Val78Met. This variant has been reported in addition to another variant in this gene in an individual with epilepsy (Zhang et al. 2018. PubMed ID: 30180405). This variant is reported in 0.0098% of alleles in individuals of South Asian descent in gnomAD. At this time, the clinical significance of this variant is uncertain due to the absence of conclusive functional and genetic evidence.

Literature cited by the submitters: PubMed 30180405 (cited by Labcorp Genetics (formerly Invitae), Labcorp).

NM_001199107.2(TBC1D24):c.232G>A (p.Val78Met)

Gene: TBC1D24 (TBC1 domain family member 24; plus strand). Cytogenetic location: 16p13.3.
Variant type: single nucleotide variant.
Coding change: c.232G>A on transcript NM_001199107.2 (MANE Select); coding-DNA position 232, G replaced by A.
Protein change: p.Val78Met; replaces valine 78 with methionine.
Molecular consequence: missense variant.
Genome position (GRCh38, 1-based): chr16:2,496,380, G>A. VCF-style: chr16-2496380-G-A. GRCh37 (hg19) VCF-style: chr16-2546381-G-A.
Other names: c.232G>A, p.Val78Met (NM_020705.3); short protein forms V78M.
Identifiers: ClinVar variation 318613 (VCV000318613.15), dbSNP rs776539630, ClinGen allele CA7843959.
Genomic context (GRCh38, chr16:2,496,380, plus strand): 5'-CTGATCCGGGACATTCCCTGCCGCACGGTCACGCCTGACGCCAGCGTGTACAGCGACATC[G>A]TGGGCAAGATCGTGGGCAAGCACAGCAGCAGCTGCCTGCCGCTGCCCGAGTTCGTGGACA-3'
Protein context (NP_001186036.1, residues 68-88): TPDASVYSDI[Val78Met]GKIVGKHSSS